The following is an entry in ClinVar:

ClinVar aggregate classification (germline): Pathogenic (1 of 4 stars; one submission).

Conditions:
Bardet-Biedl syndrome (BBS). Identifiers: Orphanet 110, MedGen C0752166, MONDO:0015229.

Submission:

Labcorp Genetics (formerly Invitae), Labcorp
Classification: Pathogenic for Bardet-Biedl syndrome. Last evaluated: 2021-11-04. Review status: criteria provided, single submitter. Criteria: Invitae Variant Classification Sherloc (09022015). Collection method: clinical testing. Allele origin: germline.
Comment: This sequence change creates a premature translational stop signal (p.Asn431Thrfs*2) in the BBS10 gene. While this is not anticipated to result in nonsense mediated decay, it is expected to disrupt the last 293 amino acid(s) of the BBS10 protein. This variant is not present in population databases (gnomAD no frequency). This variant has not been reported in the literature in individuals affected with BBS10-related conditions. This variant disrupts a region of the BBS10 protein in which other variant(s) (p.Val707*) have been determined to be pathogenic (PMID: 20472660, 22773737, 25982971, 27486776). This suggests that this is a clinically significant region of the protein, and that variants that disrupt it are likely to be disease-causing. For these reasons, this variant has been classified as Pathogenic.

Literature cited by the submitters: PubMed 20472660; PubMed 22773737; PubMed 25982971; PubMed 27486776.

NM_024685.4(BBS10):c.1290_1293del (p.Asn431fs)

Gene: BBS10 (Bardet-Biedl syndrome 10; minus strand). Cytogenetic location: 12q21.2.
Variant type: Deletion.
Coding change: c.1290_1293del on transcript NM_024685.4 (MANE Select); coding-DNA positions 1290 to 1293, 4 bases deleted (AAAT; older notation c.1290_1293delAAAT).
Protein change: p.Asn431fs; shifts the reading frame from asparagine 431.
Molecular consequence: frameshift variant.
Genome position (GRCh38, 1-based): chr12:76,346,692-76,346,695, ATTT deleted on the plus strand (AAAT on the coding strand, the reverse complement: BBS10 is on the minus strand); deleting any 4 consecutive bases within chr12:76,346,692-76,346,696 gives the same sequence; the c. name uses the placement nearest the transcript's 3' end. VCF-style (leftmost placement, unchanged base first): chr12-76346691-AATTT-A. GRCh37 (hg19) VCF-style: chr12-76740471-AATTT-A.
Other names: short protein forms N431fs.
Identifiers: ClinVar variation 1456053 (VCV001456053.6), dbSNP rs2136090423, ClinGen allele CA2573148992.